The following is an entry in ClinVar:

ClinVar aggregate classification (germline): Uncertain significance. Review status: criteria provided, multiple submitters, no conflicts (2 of 4 stars). 2 submissions from 2 submitters: Uncertain significance (2). Last evaluated 2023-06-27.

Conditions:
Inborn genetic diseases. Identifiers: MedGen C0950123, MeSH D030342.

Allele frequency attached by ClinVar (database versions not stated): gnomAD 0.00003; TOPMed 0.00006.
gnomAD v4.1: 83 of 1,614,068 alleles (0.0051%); highest among the groups gnomAD compares: Non-Finnish European, 0.0069%; no homozygotes.

Submissions (2):

Labcorp Genetics (formerly Invitae), Labcorp
Classification: Uncertain significance. Last evaluated: 2023-06-27. Review status: criteria provided, single submitter. Criteria: Invitae Variant Classification Sherloc (09022015). Collection method: clinical testing. Allele origin: germline.
Comment: In summary, the available evidence is currently insufficient to determine the role of this variant in disease. Therefore, it has been classified as a Variant of Uncertain Significance. Advanced modeling of protein sequence and biophysical properties (such as structural, functional, and spatial information, amino acid conservation, physicochemical variation, residue mobility, and thermodynamic stability) performed at Invitae indicates that this missense variant is not expected to disrupt EMC1 protein function. ClinVar contains an entry for this variant (Variation ID: 1044038). This variant has not been reported in the literature in individuals affected with EMC1-related conditions. This variant is present in population databases (rs781072054, gnomAD 0.003%). This sequence change replaces proline, which is neutral and non-polar, with glutamine, which is neutral and polar, at codon 702 of the EMC1 protein (p.Pro702Gln).

Ambry Genetics
Classification: Uncertain significance for Inborn genetic diseases. Last evaluated: 2022-12-19. Review status: criteria provided, single submitter. Criteria: Ambry Variant Classification Scheme 2023. Collection method: clinical testing. Allele origin: germline.

NM_015047.3(EMC1):c.2105C>A (p.Pro702Gln)

Genes: EMC1 (ER membrane protein complex subunit 1; minus strand), EMC1-AS1 (EMC1 antisense RNA 1; plus strand). Cytogenetic location: 1p36.13.
Variant type: single nucleotide variant.
Coding change: c.2105C>A on transcript NM_015047.3 (MANE Select); coding-DNA position 2105, C replaced by A.
Protein change: p.Pro702Gln; replaces proline 702 with glutamine.
Molecular consequence: missense variant.
Genome position (GRCh38, 1-based): chr1:19,227,410, G>T on the plus strand (C>A on the coding strand, the complement: EMC1 is on the minus strand). VCF-style: chr1-19227410-G-T. GRCh37 (hg19) VCF-style: chr1-19553904-G-T.
Other names: c.2102C>A, p.Pro701Gln (NM_001271427.2, NM_001271428.2); c.2039C>A, p.Pro680Gln (NM_001271429.2); c.2114C>A, p.Pro705Gln (NM_001375820.1); c.2111C>A, p.Pro704Gln (NM_001375821.1); c.2105C>A (NM_015047.1); short protein forms P680Q, P701Q, P705Q, P702Q, P704Q.
Identifiers: ClinVar variation 1044038 (VCV001044038.5), dbSNP rs781072054, ClinGen allele CA18813161.
Genomic context (GRCh38, chr1:19,227,410, plus strand): 5'-TGGGAATGAACGTGCTCACTGCTGCGTTTCCCCTTCACCTTGACGATCCGCTGTACTTCT[G>T]GGGGAATGGTCAGCTCCCAACTCAGCTCAGTGGTGAGATCCTAGGGCAGGGGCAAAAAAG-3'
Protein context (NP_055862.1, residues 692-712): TELSWELTIP[Pro702Gln]EVQRIVKVKG